The following is an entry in ClinVar:

ClinVar aggregate classification (germline): Pathogenic. Review status: criteria provided, multiple submitters, no conflicts (2 of 4 stars). 4 submissions from 4 submitters: Pathogenic (4). Last evaluated 2024-12-17.

Conditions:
Nemaline myopathy. Also called: Myopathies, Nemaline. Identifiers: Orphanet 607, MedGen C0206157, MONDO:0018958.
Nemaline myopathy 2 (NEM2). Also called: Nemaline myopathy 2, autosomal recessive. Identifiers: MedGen C1850569, MONDO:0009725, OMIM 256030.

Submissions (4):

Natera, Inc.
Classification: Pathogenic for Nemaline myopathy type 2. Last evaluated: 2024-12-17. Review status: criteria provided, single submitter. Criteria: Natera Variant Classification Schema (03/2026). Collection method: clinical testing. Allele origin: germline.
Comment: The c.3473_3488del variant in NEB is a frameshift variant predicted to shift the reading frame beginning at codon 1158 and leads to a stop codon 21 codons downstream. This variant is expected to result in nonsense mediated decay, truncation, or a dysfunctional protein product. This variant is rare in the general population with a frequency below the threshold expected for the associated phenotype(s). This variant has been observed in one or more individuals affected with the associated recessive disease, as either homozygous or compound heterozygous with a second variant (PMID: 16917880). Given the available evidence, this variant is classified as Pathogenic.

Labcorp Genetics (formerly Invitae), Labcorp
Classification: Pathogenic for Nemaline myopathy 2. Last evaluated: 2023-07-31. Review status: criteria provided, single submitter. Criteria: Invitae Variant Classification Sherloc (09022015). Collection method: clinical testing. Allele origin: germline.
Comment: For these reasons, this variant has been classified as Pathogenic. ClinVar contains an entry for this variant (Variation ID: 942659). This variant is also known as g.55183_55198delAGCAATGTCAACTATA, p.Ser1157fs. This premature translational stop signal has been observed in individual(s) with nemaline myopathy (PMID: 16917880). This variant is present in population databases (no rsID available, gnomAD 0.002%). This sequence change creates a premature translational stop signal (p.Asn1158Ilefs*21) in the NEB gene. It is expected to result in an absent or disrupted protein product. Loss-of-function variants in NEB are known to be pathogenic (PMID: 25205138).

Women's Health and Genetics/Laboratory Corporation of America, LabCorp
Classification: Pathogenic for Nemaline myopathy. Last evaluated: 2022-08-25. Review status: criteria provided, single submitter. Criteria: LabCorp Variant Classification Summary - May 2015. Collection method: clinical testing. Allele origin: germline.
Comment: Variant summary: NEB c.3473_3488del16 (p.Asn1158IlefsX21) results in a premature termination codon, predicted to cause a truncation of the encoded protein or absence of the protein due to nonsense mediated decay, which are commonly known mechanisms for disease. Truncations downstream of this position have been classified as pathogenic by our laboratory. The variant allele was found at a frequency of 8e-06 in 248990 control chromosomes (gnomAD). c.3473_3488del16 has been reported in the literature as a compound hetrozygous genotype in at least one individual affected with a severe form of Nemaline Myopathy (e.g. Lehtokari_2006). To our knowledge, no experimental evidence demonstrating an impact on protein function has been reported. One clinical diagnostic laboratory has submitted a clinical-significance assessment for this variant to ClinVar after 2014 without evidence for independent evaluation and classified the variant as pathogenic. Based on the evidence outlined above, the variant was classified as pathogenic.

Revvity Omics, Revvity
Classification: Pathogenic. Last evaluated: 2021-12-09. Review status: criteria provided, single submitter. Criteria: ACMG Guidelines, 2015. Collection method: clinical testing. Allele origin: germline.

Literature cited by the submitters: PubMed 16917880 (cited by 3 submitters); PubMed 25205138 (cited by Labcorp Genetics (formerly Invitae), Labcorp and Women's Health and Genetics/Laboratory Corporation of America, LabCorp).

NM_001164508.2(NEB):c.3473_3488del (p.Asn1158fs)

Gene: NEB (nebulin; minus strand). Cytogenetic location: 2q23.3.
Variant type: Deletion.
Coding change: c.3473_3488del on transcript NM_001164508.2 (MANE Select); coding-DNA positions 3473 to 3488, 16 bases deleted (ATGTCAACTATAAGCA).
Protein change: p.Asn1158fs; shifts the reading frame from asparagine 1158.
Molecular consequence: frameshift variant.
Genome position (GRCh38, 1-based): chr2:151,677,955-151,677,970, TGCTTATAGTTGACAT deleted on the plus strand (ATGTCAACTATAAGCA on the coding strand, the reverse complement: NEB is on the minus strand); deleting any 16 consecutive bases within chr2:151,677,955-151,677,974 gives the same sequence; the c. name uses the placement nearest the transcript's 3' end. VCF-style (leftmost placement, unchanged base first): chr2-151677954-ATGCTTATAGTTGACAT-A. GRCh37 (hg19) VCF-style: chr2-152534468-ATGCTTATAGTTGACAT-A.
Other names: c.3473_3488del, p.Asn1158fs (NM_001164507.2, NM_001271208.2, NM_004543.5); c.3473_3488del16 (NM_001271208.1); short protein forms N1158fs.
Identifiers: ClinVar variation 942659 (VCV000942659.13), dbSNP rs1463906422, ClinGen allele CA537030609.